The following is an entry in ClinVar:

ClinVar aggregate classification (germline): Pathogenic (1 of 4 stars; one submission).

Conditions:
Retinitis pigmentosa 59 (RP59). Identifiers: Orphanet 791, MedGen C3151227, MONDO:0013468, OMIM 613861.

Submission:

Labcorp Genetics (formerly Invitae), Labcorp
Classification: Pathogenic for Retinitis pigmentosa 59. Last evaluated: 2020-02-29. Review status: criteria provided, single submitter. Criteria: Invitae Variant Classification Sherloc (09022015). Collection method: clinical testing. Allele origin: germline.
Comment: This variant is not present in population databases (ExAC no frequency). This sequence change creates a premature translational stop signal (p.Pro128Valfs*35) in the DHDDS gene. It is expected to result in an absent or disrupted protein product. This variant has not been reported in the literature in individuals with DHDDS-related conditions. For these reasons, this variant has been classified as Pathogenic. Loss-of-function variants in DHDDS are known to be pathogenic (PMID: 24664742).

Literature cited by the submitters: PubMed 24664742.

NM_205861.3(DHDDS):c.374_377dup (p.Pro128fs)

Gene: DHDDS (dehydrodolichyl diphosphate synthase subunit; plus strand). Cytogenetic location: 1p36.11.
Variant type: Duplication.
Coding change: c.374_377dup on transcript NM_205861.3 (MANE Select); coding-DNA positions 374 to 377, 4 bases duplicated (ACTT; older notation c.374_377dupACTT).
Protein change: p.Pro128fs; shifts the reading frame from proline 128.
Molecular consequence: frameshift variant. On other transcripts: intron variant (1).
Genome position (GRCh38, 1-based): chr1:26,446,366-26,446,369, ACTT duplicated. VCF-style (leftmost placement, unchanged base first): chr1-26446365-C-CACTT. GRCh37 (hg19) VCF-style: chr1-26772856-C-CACTT.
Other names: c.374_377dup, p.Pro128fs (NM_001243564.2, NM_024887.4); c.95_98dup, p.Pro35fs (NM_001319959.2); c.324-1193_324-1190dup (NM_001243565.2); short protein forms P128fs, P35fs.
Identifiers: ClinVar variation 1076541 (VCV001076541.7), dbSNP rs2124425894, ClinGen allele CA2499214672.
Genomic context (GRCh38, chr1:26,446,365, plus strand): 5'-TCCCTGATCAGGGAGAAACTGCAGAAGCATGGGGTGTGTATCCGGGTCCTGGGCGATCTG[C>CACTT]ACTTGTTGCCCTTGGATCTCCAGGAGCTGATTGCACAAGCTGTACAGGCCACGAAGAACT-3'